The following is an entry in ClinVar:

ClinVar aggregate classification (germline): Uncertain significance (1 of 4 stars; one submission).

Allele frequency attached by ClinVar (database versions not stated): gnomAD exomes 0.00001; gnomAD 0.00002; TOPMed 0.00006; 1000 Genomes Project 0.00020; 1000 Genomes Project 30x 0.00031.

Submission:

Labcorp Genetics (formerly Invitae), Labcorp
Classification: Uncertain significance. Last evaluated: 2025-03-10. Review status: criteria provided, single submitter. Criteria: Invitae Variant Classification Sherloc (09022015). Collection method: clinical testing. Allele origin: germline.
Comment: This sequence change replaces alanine, which is neutral and non-polar, with glycine, which is neutral and non-polar, at codon 1243 of the ERCC6L2 protein (p.Ala1243Gly). The frequency data for this variant in the population databases is considered unreliable, as metrics indicate poor data quality at this position in the gnomAD database. This variant has not been reported in the literature in individuals affected with ERCC6L2-related conditions. ClinVar contains an entry for this variant (Variation ID: 1503790). Experimental studies and prediction algorithms are not available or were not evaluated, and the functional significance of this variant is currently unknown. In summary, the available evidence is currently insufficient to determine the role of this variant in disease. Therefore, it has been classified as a Variant of Uncertain Significance.

NM_020207.7(ERCC6L2):c.3695C>G (p.Ala1232Gly)

Gene: ERCC6L2 (ERCC excision repair 6 like 2; plus strand). Cytogenetic location: 9q22.32.
Variant type: single nucleotide variant.
Coding change: c.3695C>G on transcript NM_020207.7 (MANE Select); coding-DNA position 3695, C replaced by G.
Protein change: p.Ala1232Gly; replaces alanine 1232 with glycine.
Molecular consequence: missense variant. On other transcripts: non-coding transcript variant (1), intron variant (2).
Genome position (GRCh38, 1-based): chr9:96,012,245, C>G. VCF-style: chr9-96012245-C-G. GRCh37 (hg19) VCF-style: chr9-98774527-C-G.
Other names: c.3674+7544C>G (NM_001375291.1, NM_001375292.1); short protein forms A1232G.
Identifiers: ClinVar variation 1503790 (VCV001503790.7), dbSNP rs571582476, ClinGen allele CA196590508.